The following is an entry in ClinVar:

NM_000553.6(WRN):c.1074T>G (p.Asp358Glu)

Gene: WRN (WRN RecQ like helicase; plus strand). Cytogenetic location: 8p12.
Variant type: single nucleotide variant.
Coding change: c.1074T>G on transcript NM_000553.6 (MANE Select); coding-DNA position 1074, T replaced by G.
Protein change: p.Asp358Glu; replaces aspartic acid 358 with glutamic acid.
Molecular consequence: missense variant.
Genome position (GRCh38, 1-based): chr8:31,081,101, T>G. VCF-style: chr8-31081101-T-G. GRCh37 (hg19) VCF-style: chr8-30938617-T-G.
Other names: short protein forms D358E.
Identifiers: ClinVar variation 650868 (VCV000650868.7), dbSNP rs1585427898, ClinGen allele CA370920569.

ClinVar aggregate classification (germline): Uncertain significance (1 of 4 stars; one submission).

Conditions:
Werner syndrome (WRN). Identifiers: Orphanet 902, MedGen C0043119, MONDO:0010196, OMIM 277700.

Allele frequency attached by ClinVar (database versions not stated): TOPMed 0.00001.
gnomAD v4.1: 2 of 1,614,020 alleles (0.00012%); highest among the groups gnomAD compares: Admixed American, 0.0017%; no homozygotes.

Submission:

Labcorp Genetics (formerly Invitae), Labcorp
Classification: Uncertain significance for Werner syndrome. Last evaluated: 2025-05-05. Review status: criteria provided, single submitter. Criteria: Invitae Variant Classification Sherloc (09022015). Collection method: clinical testing. Allele origin: germline.
Comment: This sequence change replaces aspartic acid, which is acidic and polar, with glutamic acid, which is acidic and polar, at codon 358 of the WRN protein (p.Asp358Glu). This variant is not present in population databases (gnomAD no frequency). This variant has not been reported in the literature in individuals affected with WRN-related conditions. ClinVar contains an entry for this variant (Variation ID: 650868). An algorithm developed to predict the effect of missense changes on protein structure and function outputs the following: PolyPhen-2: "Benign". The glutamic acid amino acid residue is found in multiple mammalian species, which suggests that this missense change does not adversely affect protein function. In summary, the available evidence is currently insufficient to determine the role of this variant in disease. Therefore, it has been classified as a Variant of Uncertain Significance.